The following is an entry in ClinVar:

ClinVar aggregate classification (germline): Likely benign. Review status: criteria provided, single submitter (1 of 4 stars). 2 submissions from 2 submitters: Likely benign (1). 1 of the submissions does not count toward it. Last evaluated 2025-08-12.

Conditions:
ERF-related disorder. Also called: ERF-related disorders; ERF-related condition.
TWIST1-related craniosynostosis (CRS1). Also called: CRANIOSYNOSTOSIS 1. Identifiers: Orphanet 63440, MedGen C4551902, MONDO:0007399, OMIM 123100. Inheritance: Heterogenous inheritance pattern.

Allele frequency attached by ClinVar (database versions not stated): ESP Exome Variant Server 0.00040; gnomAD 0.00041 and 0.00043; TOPMed 0.00044; gnomAD exomes 0.00047 and 0.00083; ExAC 0.00089.
gnomAD v4.1: 758 of 1,598,702 alleles (0.047%); highest among the groups gnomAD compares: Non-Finnish European, 0.025%; 1 homozygote.

Submissions (2):

Labcorp Genetics (formerly Invitae), Labcorp
Classification: Likely benign for TWIST1-related craniosynostosis. Last evaluated: 2025-08-12. Review status: criteria provided, single submitter. Criteria: Invitae Variant Classification Sherloc (09022015). Collection method: clinical testing. Allele origin: germline.

PreventionGenetics, part of Exact Sciences
Classification: Benign for ERF-related condition. Last evaluated: 2019-07-10. Review status: no assertion criteria provided. Collection method: clinical testing. Allele origin: germline. Not counted in ClinVar's aggregate classification.
Comment: This variant is classified as benign based on ACMG/AMP sequence variant interpretation guidelines (Richards et al. 2015 PMID: 25741868, with internal and published modifications).

NM_006494.4(ERF):c.659C>A (p.Pro220His)

Gene: ERF (ETS2 repressor factor; minus strand). Cytogenetic location: 19q13.2.
Variant type: single nucleotide variant.
Coding change: c.659C>A on transcript NM_006494.4 (MANE Select); coding-DNA position 659, C replaced by A.
Protein change: p.Pro220His; replaces proline 220 with histidine.
Molecular consequence: missense variant.
Genome position (GRCh38, 1-based): chr19:42,249,453, G>T on the plus strand (C>A on the coding strand, the complement: ERF is on the minus strand). VCF-style: chr19-42249453-G-T. GRCh37 (hg19) VCF-style: chr19-42753605-G-T.
Other names: c.434C>A, p.Pro145His (NM_001301035.2, NM_001308402.2, NM_001312656.2); short protein forms P220H, P145H.
Identifiers: ClinVar variation 771555 (VCV000771555.10), dbSNP rs200767779, ClinGen allele CA9471354.